The following is an entry in ClinVar:

ClinVar aggregate classification (germline): Uncertain significance (1 of 4 stars; one submission).

Submission:

Labcorp Genetics (formerly Invitae), Labcorp
Classification: Uncertain significance. Last evaluated: 2022-08-12. Review status: criteria provided, single submitter. Criteria: Invitae Variant Classification Sherloc (09022015). Collection method: clinical testing. Allele origin: germline.
Comment: In summary, the available evidence is currently insufficient to determine the role of this variant in disease. Therefore, it has been classified as a Variant of Uncertain Significance. This variant, c.1512_1514del, results in the deletion of 1 amino acid(s) of the SNX14 protein (p.Ser504del), but otherwise preserves the integrity of the reading frame. This variant is not present in population databases (gnomAD no frequency). This variant has not been reported in the literature in individuals affected with SNX14-related conditions. Experimental studies and prediction algorithms are not available or were not evaluated, and the functional significance of this variant is currently unknown.

NM_153816.6(SNX14):c.1509CAG[1] (p.Ser504del)

Gene: SNX14 (sorting nexin 14; minus strand). Cytogenetic location: 6q14.3.
Variant type: Microsatellite.
Coding change: c.1509CAG[1] on transcript NM_153816.6 (MANE Select); one copy of the 3-base unit CAG starting at c.1509; the reference has two copies in a row; one copy, 3 bases deleted.
Protein change: p.Ser504del; deletes serine 504.
Molecular consequence: inframe deletion. On other transcripts: non-coding transcript variant (6).
Genome position (GRCh38, 1-based): chr6:85,536,886-85,536,888, CTG deleted on the plus strand (CAG on the coding strand, the reverse complement: SNX14 is on the minus strand); deleting any 3 consecutive bases within chr6:85,536,886-85,536,891 gives the same sequence; the position shown is the placement nearest the transcript's 3' end. VCF-style (leftmost placement, unchanged base first): chr6-85536885-TCTG-T. GRCh37 (hg19) VCF-style: chr6-86246603-TCTG-T.
Other names: c.1482CAG[1], p.Ser495del (NM_001297614.3, NM_001350541.2); c.1353CAG[1], p.Ser452del (NM_001304479.2); c.1572CAG[1], p.Ser525del (NM_001350532.2); c.1506CAG[1], p.Ser503del (NM_001350533.2, NM_001350535.2); c.1479CAG[1], p.Ser494del (NM_001350534.2); c.1377CAG[1], p.Ser460del (NM_001350536.2); c.1374CAG[1], p.Ser459del (NM_001350537.2); c.1365CAG[1], p.Ser456del (NM_001350538.2); and 9 more; short protein forms S110del, S119del, S356del, S404del, S408del, S452del, S459del, S460del.
Identifiers: ClinVar variation 2023722 (VCV002023722.4), dbSNP rs2535575032, ClinGen allele CA2580617305.